The following is an entry in ClinVar:

ClinVar aggregate classification (germline): Benign/Likely benign. Review status: criteria provided, multiple submitters, no conflicts (2 of 4 stars). 2 submissions from 2 submitters: Benign (1); Likely benign (1). Last evaluated 2025-12-07.

Conditions:
Oligodontia-cancer predisposition syndrome. Also called: TOOTH AGENESIS-COLORECTAL CANCER SYNDROME. Identifiers: Orphanet 300576, MedGen C1837750, MONDO:0012075, OMIM 608615. Disease mechanism: loss of function.
Hereditary cancer-predisposing syndrome. Also called: Hereditary Cancer Syndrome; Tumor predisposition; Hereditary neoplastic syndrome; Neoplastic Syndromes, Hereditary. Identifiers: Orphanet 140162, MedGen C0027672, MeSH D009386, MONDO:0015356.

Submissions (2):

Ambry Genetics
Classification: Likely benign for Hereditary cancer-predisposing syndrome. Last evaluated: 2025-12-07. Review status: criteria provided, single submitter. Criteria: Ambry Variant Classification Scheme 2023. Collection method: clinical testing. Allele origin: germline.

Myriad Genetics, Inc.
Classification: Benign for Oligodontia-cancer predisposition syndrome. Last evaluated: 2024-06-27. Review status: criteria provided, single submitter. Criteria: Myriad Autosomal Dominant, Autosomal Recessive and X-Linked Classification Criteria (2023). Collection method: clinical testing. Allele origin: unknown.
Comment: This variant is considered benign. This variant is a silent/synonymous amino acid change and it is not expected to impact splicing.

NM_004655.4(AXIN2):c.642A>T (p.Gly214=)

Gene: AXIN2 (axin 2; minus strand). Cytogenetic location: 17q24.1.
Variant type: single nucleotide variant.
Coding change: c.642A>T on transcript NM_004655.4 (MANE Select); coding-DNA position 642, A replaced by T.
Protein change: p.Gly214=; no amino-acid change (glycine 214 retained).
Molecular consequence: synonymous variant.
Genome position (GRCh38, 1-based): chr17:65,557,979, T>A on the plus strand (A>T on the coding strand, the complement: AXIN2 is on the minus strand). VCF-style: chr17-65557979-T-A. GRCh37 (hg19) VCF-style: chr17-63554097-T-A.
Other names: c.642A>T, p.Gly214= (NM_001363813.1).
Identifiers: ClinVar variation 3254347 (VCV003254347.2), dbSNP rs1555583319.
Genomic context (GRCh38, chr17:65,557,979, plus strand): 5'-CCACTCCTCTTCTTCATTCAAGGTGGGGAGATAGCCACACACGACCTTTAGGCTCCCGAG[T>A]CCCCCATTACTCATGTAAGCTGTGTTTTCTCCCCCACTCCTCACATATTCGAGGTATATA-3'
Protein context (NP_004646.3, residues 204-224): GENTAYMSNG[Gly214=]LGSLKVVCGY